The following is an entry in ClinVar:

NM_000143.4(FH):c.1109-19A>G

Gene: FH (fumarate hydratase; minus strand). Cytogenetic location: 1q43.
Variant type: single nucleotide variant.
Coding change: c.1109-19A>G on transcript NM_000143.4 (MANE Select); 19 bases into the intron before coding-DNA position 1109, A replaced by G.
Molecular consequence: intron variant.
Genome position (GRCh38, 1-based): chr1:241,502,589, T>C on the plus strand (A>G on the coding strand, the complement: FH is on the minus strand). VCF-style: chr1-241502589-T-C. GRCh37 (hg19) VCF-style: chr1-241665889-T-C.
Identifiers: ClinVar variation 1593523 (VCV001593523.9), dbSNP rs2147915066, ClinGen allele CA2573132919.

ClinVar aggregate classification (germline): Likely benign. Review status: criteria provided, multiple submitters, no conflicts (2 of 4 stars). 2 submissions from 2 submitters: Likely benign (2). Last evaluated 2025-03-30.

Conditions:
Hereditary leiomyomatosis and renal cell cancer. Also called: MULTIPLE CUTANEOUS AND UTERINE LEIOMYOMATA 1, WITH OR WITHOUT RENAL CELL CARCINOMA; LEIOMYOMA, MULTIPLE CUTANEOUS; Reed syndrome; Multiple cutaneous and uterine leiomyomatosis; Cutaneous leiomyomata with uterine leiomyomata; Leiomyoma, hereditary multiple, of skin. Identifiers: Orphanet 523, MedGen C1708350, MONDO:0007888, OMIM 150800, HP:0007437. Disease mechanism: loss of function.

gnomAD v4.1: 2 of 1,613,690 alleles (0.00012%); highest among the groups gnomAD compares: Non-Finnish European, 0.000085%; no homozygotes.

Submissions (2):

Labcorp Genetics (formerly Invitae), Labcorp
Classification: Likely benign. Last evaluated: 2025-03-30. Review status: criteria provided, single submitter. Criteria: Invitae Variant Classification Sherloc (09022015). Collection method: clinical testing. Allele origin: germline.

Myriad Genetics, Inc.
Classification: Likely benign for Hereditary leiomyomatosis and renal cell cancer. Last evaluated: 2024-10-21. Review status: criteria provided, single submitter. Criteria: Myriad Autosomal Dominant, Autosomal Recessive and X-Linked Classification Criteria (2023). Collection method: clinical testing. Allele origin: unknown.
Comment: This variant is considered likely benign. This variant is intronic and is not expected to impact mRNA splicing.